The following is an entry in ClinVar:

NM_014994.3(MAPKBP1):c.3330C>T (p.Ser1110=)

Gene: MAPKBP1 (mitogen-activated protein kinase binding protein 1; plus strand). Cytogenetic location: 15q15.1.
Variant type: single nucleotide variant.
Coding change: c.3330C>T on transcript NM_014994.3 (MANE Select); coding-DNA position 3330, C replaced by T.
Protein change: p.Ser1110=; no amino-acid change (serine 1110 retained).
Molecular consequence: synonymous variant. On other transcripts: non-coding transcript variant (2).
Genome position (GRCh38, 1-based): chr15:41,822,954, C>T. VCF-style: chr15-41822954-C-T. GRCh37 (hg19) VCF-style: chr15-42115152-C-T.
Other names: c.3348C>T, p.Ser1116= (NM_001128608.2); c.3330C>T, p.Ser1110= (NM_001265611.2).
Identifiers: ClinVar variation 778096 (VCV000778096.36), dbSNP rs61729966, ClinGen allele CA7498559.

ClinVar aggregate classification (germline): Benign/Likely benign. Review status: criteria provided, multiple submitters, no conflicts (2 of 4 stars). 5 submissions from 5 submitters: Benign (2); Likely benign (2). 1 of the submissions does not count toward it. Last evaluated 2025-12-18.

Conditions:
MAPKBP1-related disorder. Also called: MAPKBP1-related condition.

Allele frequency attached by ClinVar (database versions not stated): 1000 Genomes Project 0.00180; 1000 Genomes Project 30x 0.00234; ExAC 0.00264; gnomAD exomes 0.00285 and 0.00527; gnomAD 0.00354 and 0.00369; TOPMed 0.00377; ESP Exome Variant Server 0.00446.
gnomAD v4.1: 8,185 of 1,609,166 alleles (0.51%); highest among the groups gnomAD compares: Non-Finnish European, 0.63%; 22 homozygotes.

Submissions (5):

Labcorp Genetics (formerly Invitae), Labcorp
Classification: Benign. Last evaluated: 2025-12-18. Review status: criteria provided, single submitter. Criteria: Invitae Variant Classification Sherloc (09022015). Collection method: clinical testing. Allele origin: germline.

Blueprint Genetics
Classification: Likely benign. Last evaluated: 2024-11-27. Review status: criteria provided, single submitter. Criteria: ACMG Guidelines, 2015. Collection method: clinical testing. Allele origin: germline.

CeGaT Center for Human Genetics Tuebingen
Classification: Likely benign. Last evaluated: 2023-04-01. Review status: criteria provided, single submitter. Criteria: CeGaT Center For Human Genetics Tuebingen Variant Classification Criteria Version 2. Collection method: clinical testing. Allele origin: germline. Affected: yes. Observed: 2 variant alleles.
Comment: MAPKBP1: BP4, BP7, BS2

Breakthrough Genomics
Classification: Benign. Review status: criteria provided, single submitter. Criteria: ACMG Guidelines, 2015. Collection method: not provided. Allele origin: germline. Inheritance: Autosomal recessive inheritance. Affected: yes.

PreventionGenetics, part of Exact Sciences
Classification: Likely benign for MAPKBP1-related condition. Last evaluated: 2020-01-13. Review status: no assertion criteria provided. Collection method: clinical testing. Allele origin: germline. Not counted in ClinVar's aggregate classification.
Comment: This variant is classified as likely benign based on ACMG/AMP sequence variant interpretation guidelines (Richards et al. 2015 PMID: 25741868, with internal and published modifications).